The following is an entry in ClinVar:

ClinVar aggregate classification (germline): Uncertain significance (1 of 4 stars; one submission).

Conditions:
Congenital myasthenic syndrome 17. Identifiers: Orphanet 590, MedGen C4225377, MONDO:0014578, OMIM 616304.
Cenani-Lenz syndactyly syndrome. Also called: CENANI SYNDACTYLISM; SYNDACTYLY, TYPE VII. Identifiers: Orphanet 3258, MedGen C1859309, MONDO:0008931, OMIM 212780.
Sclerosteosis 2 (SOST2). Identifiers: Orphanet 3152, MedGen C3280402, MONDO:0013679, OMIM 614305.

Submission:

Labcorp Genetics (formerly Invitae), Labcorp
Classification: Uncertain significance for Cenani-Lenz syndactyly syndrome; Sclerosteosis 2; Congenital myasthenic syndrome 17. Last evaluated: 2022-07-15. Review status: criteria provided, single submitter. Criteria: Invitae Variant Classification Sherloc (09022015). Collection method: clinical testing. Allele origin: germline.
Comment: In summary, the available evidence is currently insufficient to determine the role of this variant in disease. Therefore, it has been classified as a Variant of Uncertain Significance. Algorithms developed to predict the effect of missense changes on protein structure and function (SIFT, PolyPhen-2, Align-GVGD) all suggest that this variant is likely to be disruptive. This variant has not been reported in the literature in individuals affected with LRP4-related conditions. This variant is not present in population databases (gnomAD no frequency). This sequence change replaces lysine, which is basic and polar, with glutamine, which is neutral and polar, at codon 1191 of the LRP4 protein (p.Lys1191Gln).

NM_002334.4(LRP4):c.3571A>C (p.Lys1191Gln)

Gene: LRP4 (LDL receptor related protein 4; minus strand). Cytogenetic location: 11p11.2.
Variant type: single nucleotide variant.
Coding change: c.3571A>C on transcript NM_002334.4 (MANE Select); coding-DNA position 3571, A replaced by C.
Protein change: p.Lys1191Gln; replaces lysine 1191 with glutamine.
Molecular consequence: missense variant.
Genome position (GRCh38, 1-based): chr11:46,875,932, T>G on the plus strand (A>C on the coding strand, the complement: LRP4 is on the minus strand). VCF-style: chr11-46875932-T-G. GRCh37 (hg19) VCF-style: chr11-46897483-T-G.
Other names: short protein forms K1191Q.
Identifiers: ClinVar variation 2007941 (VCV002007941.4), dbSNP rs2539730422, ClinGen allele CA380273532.